The following is an entry in ClinVar:

ClinVar aggregate classification (germline): Uncertain significance (1 of 4 stars; one submission).

Submission:

Ambry Genetics
Classification: Uncertain significance. Last evaluated: 2025-08-01. Review status: criteria provided, single submitter. Criteria: Ambry Variant Classification Scheme 2023. Collection method: clinical testing. Allele origin: germline.
Comment: The p.T500R variant (also known as c.1499C>G), located in coding exon 2 of the CDK12 gene, results from a C to G substitution at nucleotide position 1499. The threonine at codon 500 is replaced by arginine, an amino acid with similar properties. This amino acid position is conserved. In addition, this alteration is predicted to be tolerated by in silico analysis. Based on the available evidence, the clinical significance of this variant remains unclear.

NM_016507.4(CDK12):c.1499C>G (p.Thr500Arg)

Gene: CDK12 (cyclin dependent kinase 12; plus strand). Cytogenetic location: 17q12.
Variant type: single nucleotide variant.
Coding change: c.1499C>G on transcript NM_016507.4 (MANE Select); coding-DNA position 1499, C replaced by G.
Protein change: p.Thr500Arg; replaces threonine 500 with arginine.
Molecular consequence: missense variant.
Genome position (GRCh38, 1-based): chr17:39,471,331, C>G. VCF-style: chr17-39471331-C-G. GRCh37 (hg19) VCF-style: chr17-37627584-C-G.
Other names: c.1499C>G, p.Thr500Arg (NM_015083.4); short protein forms T500R.
Identifiers: ClinVar variation 4224328 (VCV004224328.1).